The following is an entry in ClinVar:

NM_017563.5(IL17RD):c.814-3C>T

Gene: IL17RD (interleukin 17 receptor D; minus strand). Cytogenetic location: 3p14.3.
Variant type: single nucleotide variant.
Coding change: c.814-3C>T on transcript NM_017563.5 (MANE Select); 3 bases into the intron before coding-DNA position 814, C replaced by T.
Molecular consequence: intron variant.
Genome position (GRCh38, 1-based): chr3:57,103,148, G>A on the plus strand (C>T on the coding strand, the complement: IL17RD is on the minus strand). VCF-style: chr3-57103148-G-A. GRCh37 (hg19) VCF-style: chr3-57137176-G-A.
Other names: c.382-3C>T (NM_001318864.2).
Identifiers: ClinVar variation 2754185 (VCV002754185.5), dbSNP rs199962100, ClinGen allele CA2462912.
Genomic context (GRCh38, chr3:57,103,148, plus strand): 5'-TACCTGGCTTTAAGGCATAATGCATCACTTTTCTTGTTGTGTTAGTGTCATCCACCAGCT[G>A]CAAAACAGAGGATGCTGCATTATTTTTTTTTAAAGTGATATATACCAGGTAAGTGGAAAA-3'

ClinVar aggregate classification (germline): Uncertain significance. Review status: criteria provided, multiple submitters, no conflicts (2 of 4 stars). 2 submissions from 2 submitters: Uncertain significance (2). Last evaluated 2026-05-13.

Allele frequency attached by ClinVar (database versions not stated): ExAC 0.00021; ESP Exome Variant Server 0.00023; gnomAD 0.00027; TOPMed 0.00032; 1000 Genomes Project 0.00040; 1000 Genomes Project 30x 0.00047.
gnomAD v4.1: 644 of 1,600,236 alleles (0.04%); highest among the groups gnomAD compares: Non-Finnish European, 0.052%; no homozygotes.

Submissions (3):

Women's Health and Genetics/Laboratory Corporation of America, LabCorp
Classification: Uncertain significance. Last evaluated: 2026-05-13. Review status: criteria provided, single submitter. Criteria: LabCorp Variant Classification Summary - May 2015. Collection method: clinical testing. Allele origin: germline.
Comment: Variant summary: IL17RD c.814-3C>T alters a nucleotide located close to a canonical splice site and therefore could affect mRNA splicing, leading to a significantly altered protein sequence. Consensus agreement among computation tools predict no significant impact on normal splicing. However, these predictions have yet to be confirmed by functional studies. The variant allele was found at a frequency of 0.00017 in 229942 control chromosomes. This frequency is not significantly higher than estimated for disease-causing variants in IL17RD, allowing no conclusion about variant significance. To our knowledge, no occurrence of c.814-3C>T in individuals affected with IL17RD-related conditions and no experimental evidence demonstrating its impact on protein function have been reported. ClinVar contains an entry for this variant (Variation ID: 2754185). Based on the evidence outlined above, the variant was classified as uncertain significance.

Labcorp Genetics (formerly Invitae), Labcorp
Classification: Uncertain significance. Last evaluated: 2024-05-22. Review status: criteria provided, single submitter. Criteria: Invitae Variant Classification Sherloc (09022015). Collection method: clinical testing. Allele origin: germline.
Comment: This sequence change falls in intron 8 of the IL17RD gene. It does not directly change the encoded amino acid sequence of the IL17RD protein. It affects a nucleotide within the consensus splice site. This variant is present in population databases (rs199962100, gnomAD 0.04%). This variant has not been reported in the literature in individuals affected with IL17RD-related conditions. Variants that disrupt the consensus splice site are a relatively common cause of aberrant splicing (PMID: 17576681, 9536098). Algorithms developed to predict the effect of sequence changes on RNA splicing suggest that this variant is not likely to affect RNA splicing. In summary, the available evidence is currently insufficient to determine the role of this variant in disease. Therefore, it has been classified as a Variant of Uncertain Significance.

Dr. Peter K. Rogan Lab, Western University
No classification provided (evidence only). Condition: Clear cell carcinoma of kidney. Review status: no classification provided. Collection method: in vitro. Allele origin: not applicable. Functional consequence: retained intron. Not counted in ClinVar's aggregate classification.

Literature cited by the submitters: PubMed 17576681 (cited by Labcorp Genetics (formerly Invitae), Labcorp); PubMed 9536098 (cited by Labcorp Genetics (formerly Invitae), Labcorp).